The following is an entry in ClinVar:

ClinVar aggregate classification (germline): Pathogenic (1 of 4 stars; one submission).

Submission:

Labcorp Genetics (formerly Invitae), Labcorp
Classification: Pathogenic. Last evaluated: 2024-01-06. Review status: criteria provided, single submitter. Criteria: Invitae Variant Classification Sherloc (09022015). Collection method: clinical testing. Allele origin: germline.
Comment: This sequence change creates a premature translational stop signal (p.Tyr54Asnfs*11) in the MAGI2 gene. It is expected to result in an absent or disrupted protein product. Loss-of-function variants in MAGI2 are known to be pathogenic (PMID: 25271328, 27932480, 29773874). This variant is not present in population databases (gnomAD no frequency). This variant has not been reported in the literature in individuals affected with MAGI2-related conditions. For these reasons, this variant has been classified as Pathogenic.

Literature cited by the submitters: PubMed 25271328; PubMed 27932480; PubMed 29773874.

NM_012301.4(MAGI2):c.159_174del (p.Tyr54fs)

Genes: MAGI2 (membrane associated guanylate kinase, WW and PDZ domain containing 2; minus strand), MAGI2-AS3 (MAGI2 antisense RNA 3; plus strand). Cytogenetic location: 7q21.11.
Variant type: Deletion.
Coding change: c.159_174del on transcript NM_012301.4 (MANE Select); coding-DNA positions 159 to 174, 16 bases deleted (CTATGAGAGCGGCAGC).
Protein change: p.Tyr54fs; shifts the reading frame from tyrosine 54.
Molecular consequence: frameshift variant. On other transcripts: non-coding transcript variant (2).
Genome position (GRCh38, 1-based): chr7:79,453,147-79,453,162, GCTGCCGCTCTCATAG deleted on the plus strand (CTATGAGAGCGGCAGC on the coding strand, the reverse complement: MAGI2 is on the minus strand); deleting any 16 consecutive bases within chr7:79,453,147-79,453,164 gives the same sequence; the c. name uses the placement nearest the transcript's 3' end. VCF-style (leftmost placement, unchanged base first): chr7-79453146-TGCTGCCGCTCTCATAG-T. GRCh37 (hg19) VCF-style: chr7-79082462-TGCTGCCGCTCTCATAG-T.
Other names: c.159_174del, p.Tyr54fs (NM_001301128.2); short protein forms Y54fs.
Identifiers: ClinVar variation 3011499 (VCV003011499.3), dbSNP rs2538158626, ClinGen allele CA2740097379.